The following is an entry in ClinVar:

NM_000334.4(SCN4A):c.3722C>G (p.Ala1241Gly)

Genes: SCN4A (sodium voltage-gated channel alpha subunit 4; minus strand), GH-LCR (growth hormone locus control region; plus strand). Cytogenetic location: 17q23.3.
Variant type: single nucleotide variant.
Coding change: c.3722C>G on transcript NM_000334.4 (MANE Select); coding-DNA position 3722, C replaced by G.
Protein change: p.Ala1241Gly; replaces alanine 1241 with glycine.
Molecular consequence: missense variant.
Genome position (GRCh38, 1-based): chr17:63,945,059, G>C on the plus strand (C>G on the coding strand, the complement: SCN4A is on the minus strand). VCF-style: chr17-63945059-G-C. GRCh37 (hg19) VCF-style: chr17-62022419-G-C.
Other names: short protein forms A1241G.
Identifiers: ClinVar variation 2097795 (VCV002097795.4), dbSNP rs2509289797, ClinGen allele CA400617658.

ClinVar aggregate classification (germline): Uncertain significance (1 of 4 stars; one submission).

Conditions:
Hyperkalemic periodic paralysis. Also called: Familial hyperkalemic periodic paralysis; Gamstorp disease. Identifiers: Orphanet 682, MedGen C0238357, MONDO:0008224, OMIM 170500, HP:0007215.

Submission:

Labcorp Genetics (formerly Invitae), Labcorp
Classification: Uncertain significance for Hyperkalemic periodic paralysis. Last evaluated: 2022-10-17. Review status: criteria provided, single submitter. Criteria: Invitae Variant Classification Sherloc (09022015). Collection method: clinical testing. Allele origin: germline.
Comment: This sequence change replaces alanine, which is neutral and non-polar, with glycine, which is neutral and non-polar, at codon 1241 of the SCN4A protein (p.Ala1241Gly). In summary, the available evidence is currently insufficient to determine the role of this variant in disease. Therefore, it has been classified as a Variant of Uncertain Significance. Algorithms developed to predict the effect of missense changes on protein structure and function (SIFT, PolyPhen-2, Align-GVGD) all suggest that this variant is likely to be disruptive. This variant has not been reported in the literature in individuals affected with SCN4A-related conditions. This variant is not present in population databases (gnomAD no frequency).